The following is an entry in ClinVar:

ClinVar aggregate classification (germline): Uncertain significance. Review status: criteria provided, multiple submitters, no conflicts (2 of 4 stars). 3 submissions from 3 submitters: Uncertain significance (3). Last evaluated 2024-11-05.

Conditions:
Bardet-Biedl syndrome 11 (BBS11). Identifiers: Orphanet 110, MedGen C1859569, MONDO:0014439, OMIM 615988.
Sarcotubular myopathy (LGMDR8). Also called: Hutterite type of muscular dystrophy; Autosomal recessive limb-girdle muscular dystrophy type 2H; MUSCULAR DYSTROPHY, LIMB-GIRDLE, AUTOSOMAL RECESSIVE 8; Limb-girdle muscular dystrophy, type 2H. Identifiers: Orphanet 1878, MedGen C0270968, MONDO:0009683, OMIM 254110.
Inborn genetic diseases. Identifiers: MedGen C0950123, MeSH D030342.
Bardet-Biedl syndrome (BBS). Identifiers: Orphanet 110, MedGen C0752166, MONDO:0015229.

Allele frequency attached by ClinVar (database versions not stated): TOPMed 0.00001; ESP Exome Variant Server 0.00008.
gnomAD v4.1: 70 of 1,613,754 alleles (0.0043%); highest among the groups gnomAD compares: Non-Finnish European, 0.0058%; no homozygotes.

Submissions (3):

Labcorp Genetics (formerly Invitae), Labcorp
Classification: Uncertain significance for Bardet-Biedl syndrome. Last evaluated: 2024-11-05. Review status: criteria provided, single submitter. Criteria: Invitae Variant Classification Sherloc (09022015). Collection method: clinical testing. Allele origin: germline.
Comment: This sequence change replaces arginine, which is basic and polar, with glycine, which is neutral and non-polar, at codon 271 of the TRIM32 protein (p.Arg271Gly). This variant is present in population databases (rs372298402, gnomAD 0.008%). This variant has not been reported in the literature in individuals affected with TRIM32-related conditions. ClinVar contains an entry for this variant (Variation ID: 999474). An algorithm developed to predict the effect of missense changes on protein structure and function (PolyPhen-2) suggests that this variant is likely to be tolerated. In summary, the available evidence is currently insufficient to determine the role of this variant in disease. Therefore, it has been classified as a Variant of Uncertain Significance.

Ambry Genetics
Classification: Uncertain significance for Inborn genetic diseases. Last evaluated: 2024-07-30. Review status: criteria provided, single submitter. Criteria: Ambry Variant Classification Scheme 2023. Collection method: clinical testing. Allele origin: germline.

Fulgent Genetics
Classification: Uncertain significance for Sarcotubular myopathy; Bardet-Biedl syndrome 11. Last evaluated: 2021-08-20. Review status: criteria provided, single submitter. Criteria: ACMG Guidelines, 2015. Collection method: clinical testing. Allele origin: unknown.

NM_012210.4(TRIM32):c.811C>G (p.Arg271Gly)

Genes: ASTN2 (astrotactin 2; minus strand), TRIM32 (tripartite motif containing 32; plus strand). Cytogenetic location: 9q33.1.
Variant type: single nucleotide variant.
Coding change: c.811C>G on transcript NM_012210.4 (MANE Select); coding-DNA position 811, C replaced by G.
Protein change: p.Arg271Gly; replaces arginine 271 with glycine.
Molecular consequence: missense variant. On other transcripts: intron variant (3).
Genome position (GRCh38, 1-based): chr9:116,698,553, C>G. VCF-style: chr9-116698553-C-G. GRCh37 (hg19) VCF-style: chr9-119460832-C-G.
Other names: c.811C>G, p.Arg271Gly (NM_001099679.2, NM_001379048.1, NM_001379049.1 and 1 more transcripts); c.2653+27218G>C (NM_014010.5); c.2794+27218G>C (NM_001365069.1); c.2806+27218G>C (NM_001365068.1); short protein forms R271G.
Identifiers: ClinVar variation 999474 (VCV000999474.8), dbSNP rs372298402, ClinGen allele CA5211050.
Genomic context (GRCh38, chr9:116,698,553, plus strand): 5'-GTAGCACTACTGGAGGAGACAGCTGATGAGGAGGAGCCAGAGCTCACTGCCAGCTTGCCT[C>G]GGGAGCTCACCCTGCAAGATGTGGAGCTCCTTAAGGTAGGTCATGTTGGCCCCCTCCAAA-3'
Protein context (NP_036342.2, residues 261-281): EEPELTASLP[Arg271Gly]ELTLQDVELL